The following is an entry in ClinVar:

NM_024422.6(DSC2):c.1443A>G (p.Lys481=)

Gene: DSC2 (desmocollin 2; minus strand). Cytogenetic location: 18q12.1.
Variant type: single nucleotide variant.
Coding change: c.1443A>G on transcript NM_024422.6 (MANE Select); coding-DNA position 1443, A replaced by G.
Protein change: p.Lys481=; no amino-acid change (lysine 481 retained).
Molecular consequence: synonymous variant.
Genome position (GRCh38, 1-based): chr18:31,080,173, T>C on the plus strand (A>G on the coding strand, the complement: DSC2 is on the minus strand). VCF-style: chr18-31080173-T-C. GRCh37 (hg19) VCF-style: chr18-28660139-T-C.
Other names: c.1014A>G, p.Lys338= (NM_001406506.1, NM_001406507.1); c.1443A>G, p.Lys481= (NM_004949.5).
Identifiers: ClinVar variation 3352013 (VCV003352013.1).

ClinVar aggregate classification (germline): Likely benign (0 of 4 stars; one submission).

Conditions:
DSC2-related disorder. Also called: DSC2-related condition.

gnomAD v4.1: 2 of 1,614,028 alleles (0.00012%); highest among the groups gnomAD compares: African/African-American, 0.0027%; no homozygotes.

Submission:

PreventionGenetics, part of Exact Sciences
Classification: Likely benign for DSC2-related condition. Last evaluated: 2024-03-20. Review status: no assertion criteria provided. Collection method: clinical testing. Allele origin: germline.
Comment: This variant is classified as likely benign based on ACMG/AMP sequence variant interpretation guidelines (Richards et al. 2015 PMID: 25741868, with internal and published modifications).